The following is an entry in ClinVar:

ClinVar aggregate classification (germline): Uncertain significance (1 of 4 stars; one submission).

gnomAD v4.1: 2 of 1,613,928 alleles (0.00012%); highest among the groups gnomAD compares: Non-Finnish European, 0.00017%; no homozygotes.

Submission:

Ambry Genetics
Classification: Uncertain significance. Last evaluated: 2023-11-03. Review status: criteria provided, single submitter. Criteria: Ambry Variant Classification Scheme 2023. Collection method: clinical testing. Allele origin: germline.
Comment: The p.A13G variant (also known as c.38C>G), located in coding exon 2 of the BUB1 gene, results from a C to G substitution at nucleotide position 38. The alanine at codon 13 is replaced by glycine, an amino acid with similar properties. This amino acid position is conserved. In addition, this alteration is predicted to be tolerated by in silico analysis. Since supporting evidence is limited at this time, the clinical significance of this alteration remains unclear.

NM_004336.5(BUB1):c.38C>G (p.Ala13Gly)

Gene: BUB1 (BUB1 mitotic checkpoint serine/threonine kinase; minus strand). Cytogenetic location: 2q13.
Variant type: single nucleotide variant.
Coding change: c.38C>G on transcript NM_004336.5 (MANE Select); coding-DNA position 38, C replaced by G.
Protein change: p.Ala13Gly; replaces alanine 13 with glycine.
Molecular consequence: missense variant. On other transcripts: intron variant (1).
Genome position (GRCh38, 1-based): chr2:110,674,354, G>C on the plus strand (C>G on the coding strand, the complement: BUB1 is on the minus strand). VCF-style: chr2-110674354-G-C. GRCh37 (hg19) VCF-style: chr2-111431931-G-C.
Other names: c.38C>G, p.Ala13Gly (NM_001278617.2); c.27-130C>G (NM_001278616.2); short protein forms A13G.
Identifiers: ClinVar variation 3224096 (VCV003224096.1), dbSNP rs1322086360, ClinGen allele CA348221908.